The following is an entry in ClinVar:

ClinVar aggregate classification (germline): Benign. Review status: criteria provided, multiple submitters, no conflicts (2 of 4 stars). 6 submissions from 6 submitters: Benign (3). 3 of the submissions do not count toward it. Last evaluated 2018-03-13.

Conditions:
ABCB1-related disorder. Also called: ABCB1-related condition.
Epilepsy. Also called: Seizure disorder. Identifiers: MedGen C0014544, MeSH D004827, MONDO:0005027.
Tramadol response. Also called: Ultram response. Identifiers: MedGen CN078023.

Allele frequency attached by ClinVar (database versions not stated): gnomAD exomes 0.53660 and 0.55237; ExAC 0.54191; 1000 Genomes Project 0.58387; 1000 Genomes Project 30x 0.59510; gnomAD 0.61867 and 0.63165; TOPMed 0.63197; ESP Exome Variant Server 0.64240.
gnomAD v4.1: 901,730 of 1,613,758 alleles (56%); highest among the groups gnomAD compares: African/African-American, 81%; 256,993 homozygotes.

Submissions (6):

GeneDx
Classification: Benign. Last evaluated: 2018-03-13. Review status: criteria provided, single submitter. Criteria: GeneDx Variant Classification (06012015). Collection method: clinical testing. Allele origin: germline. Affected: yes.
Comment: This variant is considered likely benign or benign based on one or more of the following criteria: it is a conservative change, it occurs at a poorly conserved position in the protein, it is predicted to be benign by multiple in silico algorithms, and/or has population frequency not consistent with disease.

Eurofins Ntd Llc (ga)
Classification: Benign. Last evaluated: 2014-08-06. Review status: criteria provided, single submitter. Criteria: EGL Classification Definitions 2015. Collection method: clinical testing. Allele origin: germline.

Breakthrough Genomics
Classification: Benign. Review status: criteria provided, single submitter. Criteria: ACMG Guidelines, 2015. Collection method: not provided. Allele origin: germline. Inheritance: Unknown mechanism. Affected: yes.

PreventionGenetics, part of Exact Sciences
Classification: Likely benign for ABCB1-related condition. Last evaluated: 2021-07-21. Review status: no assertion criteria provided. Collection method: clinical testing. Allele origin: germline. Not counted in ClinVar's aggregate classification.
Comment: This variant is classified as likely benign based on ACMG/AMP sequence variant interpretation guidelines (Richards et al. 2015 PMID: 25741868, with internal and published modifications).

School of Pharmacy, The University of Jordan
Classification: Pathogenic for Epilepsy. Last evaluated: 2020-01-01. Review status: no assertion criteria provided. Collection method: case-control. Allele origin: germline. Affected: yes. Not counted in ClinVar's aggregate classification.
Comment: The ABCB1 C1236T (rs1128503) variant has been reported in only one previous study that investigated the association between the C1236T variant and the risk of infantile spasms (West syndrome), which is an epilepsy syndrome among children. The results of this Han Chinese study reported no significant differences in allelic and genotypic frequencies of C1236T polymorphisms between the cases with infantile spasms and controls in the literature, in multiple individuals affected by epilepsy(Dong et al., 2011). Our study showed that patients with epilepsy were less likely to have TT genotypes compared to those with CC and CT genotypes, relative to controls. Additionally, individuals with the C allele were twice as likely to develop epilepsy as those with the T allele.

Bruce Budowle Laboratory, University of North Texas Health Science Center
Classification: drug response for Tramadol response. Last evaluated: 2018-04-28. Review status: no assertion criteria provided. Collection method: research. Allele origin: somatic. Affected: yes. Observed: 208 variant alleles. Not counted in ClinVar's aggregate classification.

Literature cited by the submitters: PubMed 22033938 (cited by School of Pharmacy, The University of Jordan).

NM_001348946.2(ABCB1):c.1236T>C (p.Gly412=)

Gene: ABCB1 (ATP binding cassette subfamily B member 1; minus strand). Cytogenetic location: 7q21.12.
Variant type: single nucleotide variant.
Coding change: c.1236T>C on transcript NM_001348946.2 (MANE Select); coding-DNA position 1236, T replaced by C.
Protein change: p.Gly412=; no amino-acid change (glycine 412 retained).
Molecular consequence: synonymous variant.
Genome position (GRCh38, 1-based): chr7:87,550,285, A>G on the plus strand (T>C on the coding strand, the complement: ABCB1 is on the minus strand). VCF-style: chr7-87550285-A-G. GRCh37 (hg19) VCF-style: chr7-87179601-A-G.
Other names: c.1236T>C, p.Gly412= (NM_000927.5, NM_001348944.2); c.1446T>C, p.Gly482= (NM_001348945.2).
Identifiers: ClinVar variation 194187 (VCV000194187.11), dbSNP rs1128503, ClinGen allele CA201020.
Genomic context (GRCh38, chr7:87,550,285, plus strand): 5'-CCCACAGCCACTGTTTCCAACCAGGGCCACCGTCTGCCCACTCTGCACCTTCAGGTTCAG[A>G]CCCTTCAAGATCTACCAGGACGAGTGAGAAAAAAACTTCAAGGCAATTCACAGACACAGG-3'
Protein context (NP_001335875.1, residues 402-422): PSRKEVKILK[Gly412=]LNLKVQSGQT